The following is an entry in ClinVar:

NM_000245.4(MET):c.1843A>C (p.Ser615Arg)

Gene: MET (MET proto-oncogene, receptor tyrosine kinase; plus strand). Cytogenetic location: 7q31.2.
Variant type: single nucleotide variant.
Coding change: c.1843A>C on transcript NM_000245.4 (MANE Select); coding-DNA position 1843, A replaced by C.
Protein change: p.Ser615Arg; replaces serine 615 with arginine.
Molecular consequence: missense variant.
Genome position (GRCh38, 1-based): chr7:116,755,496, A>C. VCF-style: chr7-116755496-A-C. GRCh37 (hg19) VCF-style: chr7-116395550-A-C.
Other names: c.1843A>C, p.Ser615Arg (NM_001127500.3, NM_001324401.3); c.553A>C, p.Ser185Arg (NM_001324402.2); short protein forms S185R, S615R.
Identifiers: ClinVar variation 3712198 (VCV003712198.2).
Genomic context (GRCh38, chr7:116,755,496, plus strand): 5'-AAATTTGATTTAAAGAAAACTAGAGTTCTCCTTGGAAATGAGAGCTGCACCTTGACTTTA[A>C]GTGAGAGCACGATGAATACGTAAGGATCTTAAAATGCTTTGCTGGGGTGTGCTTGGAAAA-3'
Protein context (NP_000236.2, residues 605-625): LGNESCTLTL[Ser615Arg]ESTMNTLKCT

ClinVar aggregate classification (germline): Uncertain significance (1 of 4 stars; one submission).

Conditions:
Renal cell carcinoma. Identifiers: Orphanet 217071, MedGen C0007134, MeSH D002292, MONDO:0005086, HP:0005584.

Submission:

Labcorp Genetics (formerly Invitae), Labcorp
Classification: Uncertain significance for Renal cell carcinoma. Last evaluated: 2026-01-19. Review status: criteria provided, single submitter. Criteria: Invitae Variant Classification Sherloc (09022015). Collection method: clinical testing. Allele origin: germline.
Comment: This sequence change replaces serine, which is neutral and polar, with arginine, which is basic and polar, at codon 615 of the MET protein (p.Ser615Arg). This variant is not present in population databases (gnomAD no frequency). This variant has not been reported in the literature in individuals affected with MET-related conditions. ClinVar contains an entry for this variant (Variation ID: 3712198). Invitae Evidence Modeling of protein sequence and biophysical properties (such as structural, functional, and spatial information, amino acid conservation, physicochemical variation, residue mobility, and thermodynamic stability) indicates that this missense variant is not expected to disrupt MET protein function with a negative predictive value of 80%. In summary, the available evidence is currently insufficient to determine the role of this variant in disease. Therefore, it has been classified as a Variant of Uncertain Significance.